The following is an entry in ClinVar:

ClinVar aggregate classification (germline): Uncertain significance (1 of 4 stars; one submission).

Conditions:
Spastic paraplegia. Identifiers: MedGen C0037772, HP:0001258.

gnomAD v4.1: 2 of 1,489,608 alleles (0.00013%); highest among the groups gnomAD compares: Non-Finnish European, 0.00018%; no homozygotes.

Submission:

Labcorp Genetics (formerly Invitae), Labcorp
Classification: Uncertain significance for Spastic paraplegia. Last evaluated: 2023-04-12. Review status: criteria provided, single submitter. Criteria: Invitae Variant Classification Sherloc (09022015). Collection method: clinical testing. Allele origin: germline.
Comment: This sequence change replaces glycine, which is neutral and non-polar, with valine, which is neutral and non-polar, at codon 151 of the GJC2 protein (p.Gly151Val). This variant is not present in population databases (gnomAD no frequency). This variant has not been reported in the literature in individuals affected with GJC2-related conditions. Advanced modeling of protein sequence and biophysical properties (such as structural, functional, and spatial information, amino acid conservation, physicochemical variation, residue mobility, and thermodynamic stability) has been performed at Invitae for this missense variant, however the output from this modeling did not meet the statistical confidence thresholds required to predict the impact of this variant on GJC2 protein function. In summary, the available evidence is currently insufficient to determine the role of this variant in disease. Therefore, it has been classified as a Variant of Uncertain Significance.

NM_020435.4(GJC2):c.452G>T (p.Gly151Val)

Gene: GJC2 (gap junction protein gamma 2; plus strand). Cytogenetic location: 1q42.13.
Variant type: single nucleotide variant.
Coding change: c.452G>T on transcript NM_020435.4 (MANE Select); coding-DNA position 452, G replaced by T.
Protein change: p.Gly151Val; replaces glycine 151 with valine.
Molecular consequence: missense variant.
Genome position (GRCh38, 1-based): chr1:228,158,210, G>T. VCF-style: chr1-228158210-G-T. GRCh37 (hg19) VCF-style: chr1-228345911-G-T.
Other names: short protein forms G151V.
Identifiers: ClinVar variation 2900466 (VCV002900466.3), dbSNP rs752648245, ClinGen allele CA1430855.
Genomic context (GRCh38, chr1:228,158,210, plus strand): 5'-CGCACGCCGGCTGGCCTGAGCCCGCCGACCTGGGCGAGGAGGAGCCCATGCTGGGCCTGG[G>T]CGAGGAGGAGGAGGAGGAGGAGACGGGGGCAGCCGAGGGCGCCGGCGAGGAAGCGGAGGA-3'
Protein context (NP_065168.2, residues 141-161): LGEEEPMLGL[Gly151Val]EEEEEEETGA